The following is an entry in ClinVar:

NM_001128228.3(TPRN):c.547del (p.Arg183fs)

Gene: TPRN (taperin; minus strand). Cytogenetic location: 9q34.3.
Variant type: Deletion.
Coding change: c.547del on transcript NM_001128228.3 (MANE Select); coding-DNA position 547, one base deleted (C; older notation c.547delC).
Protein change: p.Arg183fs; shifts the reading frame from arginine 183.
Molecular consequence: frameshift variant.
Genome position (GRCh38, 1-based): chr9:137,200,165, G deleted on the plus strand (C on the coding strand, the reverse complement: TPRN is on the minus strand); the first of 4 consecutive G bases (chr9:137,200,165-137,200,168); deleting any one gives the same sequence. VCF-style (leftmost placement, unchanged base first): chr9-137200164-CG-C. GRCh37 (hg19) VCF-style: chr9-140094616-CG-C.
Other names: short protein forms R183fs.
Identifiers: ClinVar variation 3701237 (VCV003701237.2).

ClinVar aggregate classification (germline): Pathogenic (1 of 4 stars; one submission).

Submission:

Labcorp Genetics (formerly Invitae), Labcorp
Classification: Pathogenic. Last evaluated: 2024-02-02. Review status: criteria provided, single submitter. Criteria: Invitae Variant Classification Sherloc (09022015). Collection method: clinical testing. Allele origin: germline.
Comment: This sequence change creates a premature translational stop signal (p.Arg183Alafs*267) in the TPRN gene. It is expected to result in an absent or disrupted protein product. Loss-of-function variants in TPRN are known to be pathogenic (PMID: 20170898, 20170899). The frequency data for this variant in the population databases is considered unreliable, as metrics indicate insufficient coverage at this position in the gnomAD database. This variant has not been reported in the literature in individuals affected with TPRN-related conditions. For these reasons, this variant has been classified as Pathogenic.

Literature cited by the submitters: PubMed 20170898; PubMed 20170899.